The following is an entry in ClinVar:

NM_000239.3(LYZ):c.392G>C (p.Arg131Thr)

Gene: LYZ (lysozyme; plus strand). Cytogenetic location: 12q15.
Variant type: single nucleotide variant.
Coding change: c.392G>C on transcript NM_000239.3 (MANE Select); coding-DNA position 392, G replaced by C.
Protein change: p.Arg131Thr; replaces arginine 131 with threonine.
Molecular consequence: missense variant.
Genome position (GRCh38, 1-based): chr12:69,353,164, G>C. VCF-style: chr12-69353164-G-C. GRCh37 (hg19) VCF-style: chr12-69746944-G-C.
Other names: short protein forms R131T.
Identifiers: ClinVar variation 2791068 (VCV002791068.3), dbSNP rs770942584, ClinGen allele CA6679810.
Genomic context (GRCh38, chr12:69,353,164, plus strand): 5'-ATGAAGATATGTTTTAACCTTTCACCATTTGCTTCATCTTTTTCTACAGGGTGGCATGGA[G>C]AAATCGTTGTCAAAACAGAGATGTCCGTCAGTATGTTCAAGGTTGTGGAGTGTAACTCCA-3'
Protein context (NP_000230.1, residues 121-141): PQGIRAWVAW[Arg131Thr]NRCQNRDVRQ

ClinVar aggregate classification (germline): Uncertain significance (1 of 4 stars; one submission).

Allele frequency attached by ClinVar (database versions not stated): ExAC 0.00001.

Submission:

Labcorp Genetics (formerly Invitae), Labcorp
Classification: Uncertain significance. Last evaluated: 2023-04-11. Review status: criteria provided, single submitter. Criteria: Invitae Variant Classification Sherloc (09022015). Collection method: clinical testing. Allele origin: germline.
Comment: An algorithm developed to predict the effect of missense changes on protein structure and function (PolyPhen-2) suggests that this variant is likely to be tolerated. In summary, the available evidence is currently insufficient to determine the role of this variant in disease. Therefore, it has been classified as a Variant of Uncertain Significance. This variant has not been reported in the literature in individuals affected with LYZ-related conditions. This sequence change replaces arginine, which is basic and polar, with threonine, which is neutral and polar, at codon 131 of the LYZ protein (p.Arg131Thr). This variant is present in population databases (rs770942584, gnomAD 0.006%).